The following is an entry in ClinVar:

NM_000152.5(GAA):c.2786G>A (p.Ser929Asn)

Gene: GAA (alpha glucosidase; plus strand). Cytogenetic location: 17q25.3.
Variant type: single nucleotide variant.
Coding change: c.2786G>A on transcript NM_000152.5 (MANE Select); coding-DNA position 2786, G replaced by A.
Protein change: p.Ser929Asn; replaces serine 929 with asparagine.
Molecular consequence: missense variant.
Genome position (GRCh38, 1-based): chr17:80,118,792, G>A. VCF-style: chr17-80118792-G-A. GRCh37 (hg19) VCF-style: chr17-78092591-G-A.
Other names: c.2786G>A, p.Ser929Asn (NM_001079803.3, NM_001079804.3, NM_001406741.1 and 1 more transcripts); short protein forms S929N.
Identifiers: ClinVar variation 4876265 (VCV004876265.1).

ClinVar aggregate classification (germline): Uncertain significance (1 of 4 stars; one submission).

Conditions:
Glycogen storage disease, type II (IOPD). Also called: Pompe Disease; CARDIOMEGALIA GLYCOGENICA DIFFUSA; GLYCOGENOSIS, GENERALIZED, CARDIAC FORM; GSD II; POMPE DISEASE, INFANTILE-ONSET; GLYCOGEN STORAGE DISEASE II, INFANTILE-ONSET. Identifiers: Orphanet 365, MedGen C0017921, MONDO:0009290, OMIM 232300.

gnomAD v4.1: 1 of 1,613,308 alleles (0.000062%); highest among the groups gnomAD compares: Non-Finnish European, 0.000085%; no homozygotes.

Submission:

Genomenon, Inc
Classification: Uncertain significance for Glycogen storage disease, type II. Last evaluated: 2026-07-01. Review status: criteria provided, single submitter. Criteria: Genomenon Sequence Variant Interpretation Standards - Updated. Collection method: curation. Allele origin: germline. Affected: no.
Comment: GAA p.Ser929Asn (c.2786G>A) is a missense variant that changes the amino acid at codon 929 from Serine to Asparagine. This variant has been reported in the published literature (PMID:30471092). It is absent or not present at a significant frequency in gnomAD. In silico models predict that this variant is not damaging. In conclusion, we classify GAA p.Ser929Asn (c.2786G>A) as a variant of uncertain significance.

Literature cited by the submitters: PubMed 30471092.